The following is an entry in ClinVar:

ClinVar aggregate classification (germline): Benign (0 of 4 stars; one submission).

Conditions:
MARCHF10-related disorder. Also called: MARCHF10-related condition.

Allele frequency attached by ClinVar (database versions not stated): 1000 Genomes Project 30x 0.14538; 1000 Genomes Project 0.15116; TOPMed 0.21299; ExAC 0.26696; gnomAD exomes 0.30723.
gnomAD v4.1: 458,468 of 1,532,624 alleles (30%); highest among the groups gnomAD compares: Middle Eastern, 35%; 73,451 homozygotes.

Submission:

PreventionGenetics, part of Exact Sciences
Classification: Benign for MARCHF10-related condition. Last evaluated: 2019-10-21. Review status: no assertion criteria provided. Collection method: clinical testing. Allele origin: germline.
Comment: This variant is classified as benign based on ACMG/AMP sequence variant interpretation guidelines (Richards et al. 2015 PMID: 25741868, with internal and published modifications).

NM_152598.4(MARCHF10):c.383-2335T>C

Gene: MARCHF10 (membrane associated ring-CH-type finger 10; minus strand). Cytogenetic location: 17q23.2.
Variant type: single nucleotide variant.
Coding change: c.383-2335T>C on transcript NM_152598.4 (MANE Select); 2335 bases into the intron before coding-DNA position 383, T replaced by C.
Molecular consequence: intron variant. On other transcripts: splice donor variant (1).
Genome position (GRCh38, 1-based): chr17:62,746,863, A>G on the plus strand (T>C on the coding strand, the complement: MARCHF10 is on the minus strand). VCF-style: chr17-62746863-A-G. GRCh37 (hg19) VCF-style: chr17-60824224-A-G.
Other names: c.496+2T>C (NM_001288779.2); c.383-2335T>C (NM_001100875.3); c.383-2338T>C (NM_001288780.2).
Identifiers: ClinVar variation 3058943 (VCV003058943.2), dbSNP rs17746153, ClinGen allele CA8697019.